The following is an entry in ClinVar:

NM_005751.5(AKAP9):c.2324C>T (p.Ala775Val)

Gene: AKAP9 (A-kinase anchoring protein 9; plus strand). Cytogenetic location: 7q21.2.
Variant type: single nucleotide variant.
Coding change: c.2324C>T on transcript NM_005751.5 (MANE Select); coding-DNA position 2324, C replaced by T.
Protein change: p.Ala775Val; replaces alanine 775 with valine.
Molecular consequence: missense variant.
Genome position (GRCh38, 1-based): chr7:92,002,241, C>T. VCF-style: chr7-92002241-C-T. GRCh37 (hg19) VCF-style: chr7-91631555-C-T.
Other names: c.2324C>T, p.Ala775Val (NM_147185.3); short protein forms A775V.
Identifiers: ClinVar variation 652049 (VCV000652049.8), dbSNP rs751926047, ClinGen allele CA4336116.
Genomic context (GRCh38, chr7:92,002,241, plus strand): 5'-TAGAAAAACAGATGAAGGAAAAAGAGAATGATCTTCAAGAAAAATTTGCACAACTTGAAG[C>T]AGAGAATAGCATTCTTAAAGATGAAAAGAAAACCCTTGAAGACATGTTGAAAATACATAC-3'
Protein context (NP_005742.4, residues 765-785): DLQEKFAQLE[Ala775Val]ENSILKDEKK

ClinVar aggregate classification (germline): Conflicting classifications of pathogenicity. Review status: criteria provided, conflicting classifications (1 of 4 stars). 2 submissions from 2 submitters: Uncertain significance (1); Benign (1). Last evaluated 2025-03-29.

Conditions:
Long QT syndrome (LQTS). Identifiers: MedGen C0023976, MeSH D008133, MONDO:0002442. Disease mechanism: loss of function. Inheritance: Various modes of inheritance.
Cardiovascular phenotype. Identifiers: MedGen CN230736.

Allele frequency attached by ClinVar (database versions not stated): ExAC 0.00002; TOPMed 0.00006; gnomAD exomes 0.00001; gnomAD 0.00006.
gnomAD v4.1: 19 of 1,596,662 alleles (0.0012%); highest among the groups gnomAD compares: African/African-American, 0.023%; no homozygotes.

Submissions (2):

Ambry Genetics
Classification: Benign for Cardiovascular phenotype. Last evaluated: 2025-03-29. Review status: criteria provided, single submitter. Criteria: Ambry Variant Classification Scheme 2023. Collection method: clinical testing. Allele origin: germline.

Labcorp Genetics (formerly Invitae), Labcorp
Classification: Uncertain significance for Long QT syndrome. Last evaluated: 2022-03-18. Review status: criteria provided, single submitter. Criteria: Invitae Variant Classification Sherloc (09022015). Collection method: clinical testing. Allele origin: germline.
Comment: This sequence change replaces alanine, which is neutral and non-polar, with valine, which is neutral and non-polar, at codon 775 of the AKAP9 protein (p.Ala775Val). This variant is present in population databases (rs751926047, gnomAD 0.02%). This variant has not been reported in the literature in individuals affected with AKAP9-related conditions. ClinVar contains an entry for this variant (Variation ID: 652049). Algorithms developed to predict the effect of missense changes on protein structure and function output the following: SIFT: "Tolerated"; PolyPhen-2: "Benign"; Align-GVGD: "Class C0". The valine amino acid residue is found in multiple mammalian species, which suggests that this missense change does not adversely affect protein function. In summary, the available evidence is currently insufficient to determine the role of this variant in disease. Therefore, it has been classified as a Variant of Uncertain Significance.